The following is an entry in ClinVar:

ClinVar aggregate classification (germline): Uncertain significance. Review status: criteria provided, multiple submitters, no conflicts (2 of 4 stars). 2 submissions from 2 submitters: Uncertain significance (2). Last evaluated 2025-02-27.

Conditions:
Developmental and epileptic encephalopathy, 65. Also called: EPILEPTIC ENCEPHALOPATHY, EARLY INFANTILE, 65. Identifiers: MedGen C4693925, MONDO:0033374, OMIM 618008.

gnomAD v4.1: 1 of 1,579,450 alleles (0.000063%); highest among the groups gnomAD compares: Non-Finnish European, 0.000086%; no homozygotes.

Submissions (2):

GeneDx
Classification: Uncertain significance. Last evaluated: 2025-02-27. Review status: criteria provided, single submitter. Criteria: GeneDx Variant Classification Process June 2021. Collection method: clinical testing. Allele origin: germline. Affected: yes.
Comment: Not observed at significant frequency in large population cohorts (gnomAD); In silico analysis supports that this missense variant has a deleterious effect on protein structure/function; Has not been previously published as pathogenic or benign to our knowledge

Genomic Medicine Center of Excellence, King Faisal Specialist Hospital and Research Centre
Classification: Uncertain significance for Developmental and epileptic encephalopathy, 65. Last evaluated: 2024-12-19. Review status: criteria provided, single submitter. Criteria: ACMG Guidelines, 2015. Collection method: clinical testing. Allele origin: germline.

NM_001037333.3(CYFIP2):c.1249C>A (p.His417Asn)

Gene: CYFIP2 (cytoplasmic FMR1 interacting protein 2; plus strand). Cytogenetic location: 5q33.3.
Variant type: single nucleotide variant.
Coding change: c.1249C>A on transcript NM_001037333.3 (MANE Select); coding-DNA position 1249, C replaced by A.
Protein change: p.His417Asn; replaces histidine 417 with asparagine.
Molecular consequence: missense variant.
Genome position (GRCh38, 1-based): chr5:157,314,987, C>A. VCF-style: chr5-157314987-C-A. GRCh37 (hg19) VCF-style: chr5-156741995-C-A.
Other names: c.1249C>A (NM_001037333.2); c.1171C>A, p.His391Asn (NM_001291721.2); c.1249C>A, p.His417Asn (NM_001291722.2, NM_014376.4); short protein forms H391N, H417N.
Identifiers: ClinVar variation 3393128 (VCV003393128.2).